The following is an entry in ClinVar:

NM_012254.3(SLC27A5):c.1182+3G>A

Gene: SLC27A5 (solute carrier family 27 member 5; minus strand). Cytogenetic location: 19q13.43.
Variant type: single nucleotide variant.
Coding change: c.1182+3G>A on transcript NM_012254.3 (MANE Select); 3 bases into the intron after coding-DNA position 1182, G replaced by A.
Molecular consequence: intron variant.
Genome position (GRCh38, 1-based): chr19:58,501,283, C>T on the plus strand (G>A on the coding strand, the complement: SLC27A5 is on the minus strand). VCF-style: chr19-58501283-C-T. GRCh37 (hg19) VCF-style: chr19-59012650-C-T.
Other names: c.930+3G>A (NM_001321196.2).
Identifiers: ClinVar variation 3034607 (VCV003034607.2), dbSNP rs372687978, ClinGen allele CA9718088.
Genomic context (GRCh38, chr19:58,501,283, plus strand): 5'-AGACCTTTACCTGGGATTTCATACTTGGGTGTTCACCATGGAGCCCTAATCTTAGAGCCT[C>T]ACCTGGGGAATGTTACACAAGTACCGCAGGAGCTCGCCCACATACAGGATCACTGTCACG-3'

ClinVar aggregate classification (germline): Likely benign (0 of 4 stars; one submission).

Conditions:
SLC27A5-related disorder. Also called: SLC27A5-related condition.

Allele frequency attached by ClinVar (database versions not stated): ExAC 0.00001; gnomAD exomes 0.00001; TOPMed 0.00002; gnomAD 0.00003; ESP Exome Variant Server 0.00008.

Submission:

PreventionGenetics, part of Exact Sciences
Classification: Likely benign for SLC27A5-related condition. Last evaluated: 2021-05-24. Review status: no assertion criteria provided. Collection method: clinical testing. Allele origin: germline.
Comment: This variant is classified as likely benign based on ACMG/AMP sequence variant interpretation guidelines (Richards et al. 2015 PMID: 25741868, with internal and published modifications).